The following is an entry in ClinVar:

ClinVar aggregate classification (germline): Uncertain significance (1 of 4 stars; one submission).

Conditions:
Hereditary cancer-predisposing syndrome. Also called: Neoplastic Syndromes, Hereditary; Tumor predisposition; Hereditary Cancer Syndrome; Hereditary neoplastic syndrome. Identifiers: Orphanet 140162, MedGen C0027672, MeSH D009386, MONDO:0015356.

Submission:

Ambry Genetics
Classification: Uncertain significance for Hereditary cancer-predisposing syndrome. Last evaluated: 2026-05-08. Review status: criteria provided, single submitter. Criteria: Ambry Variant Classification Scheme 2023. Collection method: clinical testing. Allele origin: germline.
Comment: The p.P76R variant (also known as c.227C>G), located in coding exon 2 of the PTCH1 gene, results from a C to G substitution at nucleotide position 227. The proline at codon 76 is replaced by arginine, an amino acid with dissimilar properties. This amino acid position is conserved. In addition, this alteration is predicted to be deleterious by in silico analysis. Based on the available evidence, the clinical significance of this variant remains unclear.

NM_000264.5(PTCH1):c.227C>G (p.Pro76Arg)

Gene: PTCH1 (patched 1; minus strand). Cytogenetic location: 9q22.32.
Variant type: single nucleotide variant.
Coding change: c.227C>G on transcript NM_000264.5 (MANE Select); coding-DNA position 227, C replaced by G.
Protein change: p.Pro76Arg; replaces proline 76 with arginine.
Molecular consequence: missense variant. On other transcripts: 5 prime UTR variant (4), non-coding transcript variant (1).
Genome position (GRCh38, 1-based): chr9:95,506,574, G>C on the plus strand (C>G on the coding strand, the complement: PTCH1 is on the minus strand). VCF-style: chr9-95506574-G-C. GRCh37 (hg19) VCF-style: chr9-98268856-G-C.
Other names: c.29C>G, p.Pro10Arg (NM_001083602.3, NM_001354919.2); c.224C>G, p.Pro75Arg (NM_001083603.3); c.-227C>G (NM_001083604.3, NM_001083605.3, NM_001083606.3 and 1 more transcripts); c.227C>G, p.Pro76Arg (NM_001354918.2); short protein forms P75R, P76R, P10R.
Identifiers: ClinVar variation 3939888 (VCV003939888.2).